The following is an entry in ClinVar:

NM_002230.4(JUP):c.1816G>A (p.Gly606Arg)

Gene: JUP (junction plakoglobin; minus strand). Cytogenetic location: 17q21.2.
Variant type: single nucleotide variant.
Coding change: c.1816G>A on transcript NM_002230.4 (MANE Select); coding-DNA position 1816, G replaced by A.
Protein change: p.Gly606Arg; replaces glycine 606 with arginine.
Molecular consequence: missense variant.
Genome position (GRCh38, 1-based): chr17:41,757,742, C>T on the plus strand (G>A on the coding strand, the complement: JUP is on the minus strand). VCF-style: chr17-41757742-C-T. GRCh37 (hg19) VCF-style: chr17-39913994-C-T.
Other names: c.1816G>A, p.Gly606Arg (NM_001352773.2, NM_001352774.2, NM_001352775.2 and 3 more transcripts); short protein forms G606R.
Identifiers: ClinVar variation 1780676 (VCV001780676.8), dbSNP rs1371912642, ClinGen allele CA399492532.
Genomic context (GRCh38, chr17:41,757,742, plus strand): 5'-CCCCCTCTGCATCAATGGCGTCGGCCGCCTCCTTGTCCTGGGCCAGCTCACACAGCACCC[C>T]GGCAGCCACGCGCTGGATGTTCTCCACCGACGAGTACAGGAGCTGGGGAGAGGGGACGTG-3'
Protein context (NP_002221.1, residues 596-616): SVENIQRVAA[Gly606Arg]VLCELAQDKE

ClinVar aggregate classification (germline): Uncertain significance. Review status: criteria provided, multiple submitters, no conflicts (2 of 4 stars). 2 submissions from 2 submitters: Uncertain significance (2). Last evaluated 2025-07-23.

Conditions:
Naxos disease (NXD). Also called: KERATOSIS PALMOPLANTARIS WITH ARRHYTHMOGENIC CARDIOMYOPATHY; MAL DE NAXOS; PALMOPLANTAR KERATODERMA WITH ARRHYTHMOGENIC RIGHT VENTRICULAR CARDIOMYOPATHY AND WOOLLY HAIR; WOOLLY HAIR, PALMOPLANTAR KERATODERMA, AND CARDIAC ABNORMALITIES; CARDIOMYOPATHY, ARRHYTHMOGENIC RIGHT VENTRICULAR, WITH SKIN, HAIR, AND NAIL ABNORMALITIES. Identifiers: Orphanet 34217, MedGen C1832600, MONDO:0011017, OMIM 601214.
Arrhythmogenic right ventricular dysplasia 12. Also called: ARRHYTHMOGENIC RIGHT VENTRICULAR DYSPLASIA, FAMILIAL, 12. Identifiers: MedGen C1969081, MONDO:0012684, OMIM 611528.
Cardiovascular phenotype. Identifiers: MedGen CN230736.

gnomAD v4.1: 5 of 1,612,686 alleles (0.00031%); highest among the groups gnomAD compares: Admixed American, 0.0017%; no homozygotes.

Submissions (2):

Ambry Genetics
Classification: Uncertain significance for Cardiovascular phenotype. Last evaluated: 2025-07-23. Review status: criteria provided, single submitter. Criteria: Ambry Variant Classification Scheme 2023. Collection method: clinical testing. Allele origin: germline.
Comment: The p.G606R variant (also known as c.1816G>A), located in coding exon 10 of the JUP gene, results from a G to A substitution at nucleotide position 1816. The glycine at codon 606 is replaced by arginine, an amino acid with dissimilar properties. This variant was reported in individual(s) with features consistent with arrhythmogenic right ventricular cardiomyopathy (ARVC) (Farka&scaron;ov&aacute; Iannaccone S et al. Am J Forensic Med Pathol, 2019 Jun;40:183-187). This amino acid position is highly conserved in available vertebrate species. In addition, the in silico prediction for this alteration is inconclusive. Based on the available evidence, the clinical significance of this variant remains unclear.

Labcorp Genetics (formerly Invitae), Labcorp
Classification: Uncertain significance for Arrhythmogenic right ventricular dysplasia 12; Naxos disease. Last evaluated: 2024-10-18. Review status: criteria provided, single submitter. Criteria: Invitae Variant Classification Sherloc (09022015). Collection method: clinical testing. Allele origin: germline.
Comment: This sequence change replaces glycine, which is neutral and non-polar, with arginine, which is basic and polar, at codon 606 of the JUP protein (p.Gly606Arg). This variant is not present in population databases (gnomAD no frequency). This missense change has been observed in individual(s) with arrhythmogenic ventricular cardiomyopathy (PMID: 30844837). ClinVar contains an entry for this variant (Variation ID: 1780676). An algorithm developed to predict the effect of missense changes on protein structure and function (PolyPhen-2) suggests that this variant is likely to be disruptive. In summary, the available evidence is currently insufficient to determine the role of this variant in disease. Therefore, it has been classified as a Variant of Uncertain Significance.

Literature cited by the submitters: PubMed 30844837 (cited by Ambry Genetics and Labcorp Genetics (formerly Invitae), Labcorp).